The following is an entry in ClinVar:

NM_000088.4(COL1A1):c.333+1G>C

Gene: COL1A1 (collagen type I alpha 1 chain; minus strand). Cytogenetic location: 17q21.33.
Variant type: single nucleotide variant.
Coding change: c.333+1G>C on transcript NM_000088.4 (MANE Select); the canonical splice donor site of the intron after coding-DNA position 333, G replaced by C.
Molecular consequence: splice donor variant.
Genome position (GRCh38, 1-based): chr17:50,199,555, C>G on the plus strand (G>C on the coding strand, the complement: COL1A1 is on the minus strand). VCF-style: chr17-50199555-C-G. GRCh37 (hg19) VCF-style: chr17-48276916-C-G.
Identifiers: ClinVar variation 2022193 (VCV002022193.4), dbSNP rs2144592402, ClinGen allele CA400227771.

ClinVar aggregate classification (germline): Pathogenic (1 of 4 stars; one submission).

Conditions:
Osteogenesis imperfecta type I (OI1). Also called: Lobstein disease; OI, TYPE I; OSTEOGENESIS IMPERFECTA TARDA; OSTEOGENESIS IMPERFECTA WITH BLUE SCLERAE; Osteogenesis imperfecta type 1; Classic Non-deforming Osteogenesis Imperfecta with Blue Sclerae. Identifiers: Orphanet 216796, Orphanet 666, MedGen C0023931, MONDO:0008146, OMIM 166200. Disease mechanism: loss of function.

Submission:

Labcorp Genetics (formerly Invitae), Labcorp
Classification: Pathogenic for Osteogenesis imperfecta type I. Last evaluated: 2022-08-06. Review status: criteria provided, single submitter. Criteria: Invitae Variant Classification Sherloc (09022015). Collection method: clinical testing. Allele origin: germline.
Comment: For these reasons, this variant has been classified as Pathogenic. Algorithms developed to predict the effect of sequence changes on RNA splicing suggest that this variant may disrupt the consensus splice site. Disruption of this splice site has been observed in individuals with osteogenesis imperfecta (PMID: 15024745, 25963598, 30715774). This variant is not present in population databases (gnomAD no frequency). This sequence change affects a donor splice site in intron 3 of the COL1A1 gene. It is expected to disrupt RNA splicing. Variants that disrupt the donor or acceptor splice site typically lead to a loss of protein function (PMID: 16199547), and loss-of-function variants in COL1A1 are known to be pathogenic (PMID: 7942841, 9295084, 9443882).

Literature cited by the submitters: PubMed 15024745; PubMed 25963598; PubMed 30715774; PubMed 16199547; PubMed 7942841; PubMed 9295084; PubMed 9443882.